The following is an entry in ClinVar:

NM_003803.4(MYOM1):c.4580G>T (p.Gly1527Val)

Gene: MYOM1 (myomesin 1; minus strand). Cytogenetic location: 18p11.31.
Variant type: single nucleotide variant.
Coding change: c.4580G>T on transcript NM_003803.4 (MANE Select); coding-DNA position 4580, G replaced by T.
Protein change: p.Gly1527Val; replaces glycine 1527 with valine.
Molecular consequence: missense variant.
Genome position (GRCh38, 1-based): chr18:3,079,247, C>A on the plus strand (G>T on the coding strand, the complement: MYOM1 is on the minus strand). VCF-style: chr18-3079247-C-A. GRCh37 (hg19) VCF-style: chr18-3079245-C-A.
Other names: c.4292G>T, p.Gly1431Val (NM_019856.2); short protein forms G1527V, G1431V.
Identifiers: ClinVar variation 454455 (VCV000454455.12), dbSNP rs1411286868, ClinGen allele CA401708087.

ClinVar aggregate classification (germline): Uncertain significance. Review status: criteria provided, multiple submitters, no conflicts (2 of 4 stars). 2 submissions from 2 submitters: Uncertain significance (2). Last evaluated 2024-09-23.

Conditions:
Hypertrophic cardiomyopathy. Also called: HYPERTROPHIC MYOCARDIOPATHY. Identifiers: Orphanet 217569, MedGen C0007194, MeSH D002312, MONDO:0005045, HP:0001639.

Allele frequency attached by ClinVar (database versions not stated): gnomAD exomes below 0.00001 and 0.00001; gnomAD 0.00001; TOPMed 0.00006.
gnomAD v4.1: 8 of 1,613,790 alleles (0.0005%); highest among the groups gnomAD compares: African/African-American, 0.0093%; no homozygotes.

Submissions (3):

Ambry Genetics
Classification: Uncertain significance. Last evaluated: 2024-09-23. Review status: criteria provided, single submitter. Criteria: Ambry Variant Classification Scheme 2023. Collection method: clinical testing. Allele origin: germline.
Comment: The p.G1527V variant (also known as c.4580G>T), located in coding exon 33 of the MYOM1 gene, results from a G to T substitution at nucleotide position 4580. The glycine at codon 1527 is replaced by valine, an amino acid with dissimilar properties. This amino acid position is conserved. In addition, this alteration is predicted to be deleterious by in silico analysis. Since supporting evidence is limited at this time, the clinical significance of this alteration remains unclear.

Labcorp Genetics (formerly Invitae), Labcorp
Classification: Uncertain significance for Hypertrophic cardiomyopathy. Last evaluated: 2020-06-24. Review status: criteria provided, single submitter. Criteria: Invitae Variant Classification Sherloc (09022015). Collection method: clinical testing. Allele origin: germline.
Comment: This sequence change replaces glycine with valine at codon 1527 of the MYOM1 protein (p.Gly1527Val). The glycine residue is moderately conserved and there is a moderate physicochemical difference between glycine and valine. In summary, this variant has uncertain impact on MYOM1 function. The available evidence is currently insufficient to determine its role in disease. Therefore, it has been classified as a Variant of Uncertain Significance. Algorithms developed to predict the effect of missense changes on protein structure and function do not agree on the potential impact of this missense change (SIFT: "Deleterious"; PolyPhen-2: "Probably Damaging"; Align-GVGD: "Class C0"). This variant has not been reported in the literature in individuals with a MYOM1-related disease. This variant is not present in population databases (ExAC no frequency).

Dr. Peter K. Rogan Lab, Western University
No classification provided (evidence only). Condition: Sarcoma. Review status: no classification provided. Collection method: in vitro. Allele origin: not applicable. Functional consequence: retained intron. Not counted in ClinVar's aggregate classification.